The following is an entry in ClinVar:

NM_000051.4(ATM):c.2572_2574delinsA (p.Phe858fs)

Gene: ATM (ATM serine/threonine kinase; plus strand). Cytogenetic location: 11q22.3.
Variant type: Indel.
Coding change: c.2572_2574delinsA on transcript NM_000051.4 (MANE Select); coding-DNA positions 2572 to 2574, TTT replaced by A.
Protein change: p.Phe858fs; shifts the reading frame from phenylalanine 858.
Molecular consequence: frameshift variant.
Genome position (GRCh38, 1-based): chr11:108,267,276-108,267,278, TTT replaced by A. VCF-style: chr11-108267276-TTT-A. GRCh37 (hg19) VCF-style: chr11-108138003-TTT-A.
Other names: c.2572_2574delinsA, p.Phe858fs (NM_001351834.2); short protein forms F858fs.
Identifiers: ClinVar variation 1793256 (VCV001793256.2), dbSNP rs587778068, ClinGen allele CA2580083022.

ClinVar aggregate classification (germline): Pathogenic (1 of 4 stars; one submission).

Conditions:
Hereditary cancer-predisposing syndrome. Also called: Tumor predisposition; Hereditary Cancer Syndrome; Neoplastic Syndromes, Hereditary; Hereditary neoplastic syndrome. Identifiers: Orphanet 140162, MedGen C0027672, MeSH D009386, MONDO:0015356.

Submission:

Ambry Genetics
Classification: Pathogenic for Hereditary cancer-predisposing syndrome. Last evaluated: 2020-11-16. Review status: criteria provided, single submitter. Criteria: Ambry Variant Classification Scheme 2023. Collection method: clinical testing. Allele origin: germline.
Comment: The c.2572_2574delTTTinsA pathogenic mutation, located in coding exon 16 of the ATM gene, results from the deletion of 3 nucleotides and insertion of one nucleotide causing a translational frameshift with a predicted alternate stop codon (p.F858Kfs*5). This alteration is expected to result in loss of function by premature protein truncation or nonsense-mediated mRNA decay. As such, this alteration is interpreted as a disease-causing mutation.